The following is an entry in ClinVar:

ClinVar aggregate classification (germline): Uncertain significance. Review status: criteria provided, multiple submitters, no conflicts (2 of 4 stars). 2 submissions from 2 submitters: Uncertain significance (2). Last evaluated 2025-03-25.

Conditions:
Hereditary cancer-predisposing syndrome. Also called: Tumor predisposition; Neoplastic Syndromes, Hereditary; Hereditary Cancer Syndrome; Hereditary neoplastic syndrome. Identifiers: Orphanet 140162, MedGen C0027672, MeSH D009386, MONDO:0015356.
Bloom syndrome (BLM). Also called: Bloom-Torre-Machacek syndrome. Identifiers: Orphanet 125, MedGen C0005859, MONDO:0008876, OMIM 210900.

Submissions (2):

Ambry Genetics
Classification: Uncertain significance for Hereditary cancer-predisposing syndrome. Last evaluated: 2025-03-25. Review status: criteria provided, single submitter. Criteria: Ambry Variant Classification Scheme 2023. Collection method: clinical testing. Allele origin: germline.
Comment: The p.E507G variant (also known as c.1520A>G), located in coding exon 6 of the BLM gene, results from an A to G substitution at nucleotide position 1520. The glutamic acid at codon 507 is replaced by glycine, an amino acid with similar properties. This amino acid position is conserved. In addition, this alteration is predicted to be tolerated by in silico analysis. Based on the available evidence, the clinical significance of this variant remains unclear.

Labcorp Genetics (formerly Invitae), Labcorp
Classification: Uncertain significance for Bloom syndrome. Last evaluated: 2024-07-09. Review status: criteria provided, single submitter. Criteria: Invitae Variant Classification Sherloc (09022015). Collection method: clinical testing. Allele origin: germline.
Comment: This sequence change replaces glutamic acid, which is acidic and polar, with glycine, which is neutral and non-polar, at codon 507 of the BLM protein (p.Glu507Gly). This variant is not present in population databases (gnomAD no frequency). This variant has not been reported in the literature in individuals affected with BLM-related conditions. Advanced modeling of protein sequence and biophysical properties (such as structural, functional, and spatial information, amino acid conservation, physicochemical variation, residue mobility, and thermodynamic stability) performed at Invitae indicates that this missense variant is not expected to disrupt BLM protein function with a negative predictive value of 80%. In summary, the available evidence is currently insufficient to determine the role of this variant in disease. Therefore, it has been classified as a Variant of Uncertain Significance.

NM_000057.4(BLM):c.1520A>G (p.Glu507Gly)

Gene: BLM (BLM RecQ like helicase; plus strand). Cytogenetic location: 15q26.1.
Variant type: single nucleotide variant.
Coding change: c.1520A>G on transcript NM_000057.4 (MANE Select); coding-DNA position 1520, A replaced by G.
Protein change: p.Glu507Gly; replaces glutamic acid 507 with glycine.
Molecular consequence: missense variant.
Genome position (GRCh38, 1-based): chr15:90,760,893, A>G. VCF-style: chr15-90760893-A-G. GRCh37 (hg19) VCF-style: chr15-91304123-A-G.
Other names: c.1520A>G, p.Glu507Gly (NM_001287246.2, NM_001287247.2); c.395A>G, p.Glu132Gly (NM_001287248.2); short protein forms E132G, E507G.
Identifiers: ClinVar variation 3682275 (VCV003682275.3).